The following is an entry in ClinVar:

NM_001003722.2(GLE1):c.1060C>T (p.Gln354Ter)

Gene: GLE1 (GLE1 RNA export mediator; plus strand). Cytogenetic location: 9q34.11.
Variant type: single nucleotide variant.
Coding change: c.1060C>T on transcript NM_001003722.2 (MANE Select); coding-DNA position 1060, C replaced by T.
Protein change: p.Gln354Ter; replaces glutamine 354 with a stop codon.
Molecular consequence: nonsense.
Genome position (GRCh38, 1-based): chr9:128,525,354, C>T. VCF-style: chr9-128525354-C-T. GRCh37 (hg19) VCF-style: chr9-131287633-C-T.
Other names: c.1060C>T, p.Gln354Ter (NM_001411013.1, NM_001499.2); short protein forms Q354*.
Identifiers: ClinVar variation 4068754 (VCV004068754.2).

ClinVar aggregate classification (germline): Likely pathogenic (1 of 4 stars; one submission).

Conditions:
Lethal congenital contractural syndrome Finnish type.

Submission:

Natera, Inc.
Classification: Likely pathogenic for Lethal congenital contractural syndrome Finnish type. Last evaluated: 2025-03-27. Review status: criteria provided, single submitter. Criteria: Natera Variant Classification Schema (03/2026). Collection method: clinical testing. Allele origin: germline.
Comment: The c.1060C>T variant in GLE1 is a nonsense variant predicted to introduce a stop codon at amino acid 354. This variant is expected to result in nonsense mediated decay, truncation, or a dysfunctional protein product. This variant is rare in the general population with a frequency below the threshold expected for the associated phenotype(s). Given the available evidence, this variant is classified as Likely Pathogenic.